The following is an entry in ClinVar:

ClinVar aggregate classification (germline): Uncertain significance (1 of 4 stars; one submission).

Submission:

Labcorp Genetics (formerly Invitae), Labcorp
Classification: Uncertain significance. Last evaluated: 2022-02-08. Review status: criteria provided, single submitter. Criteria: Invitae Variant Classification Sherloc (09022015). Collection method: clinical testing. Allele origin: germline.
Comment: In summary, the available evidence is currently insufficient to determine the role of this variant in disease. Therefore, it has been classified as a Variant of Uncertain Significance. This variant has not been reported in the literature in individuals affected with LIPG-related conditions. This variant results in a copy number gain of the genomic region encompassing exon(s) 1-4 of the LIPG gene. This region includes the initiator codon of the gene. This copy number gain extends beyond the assayed region for this gene and therefore may encompass additional genes. As the precise location of this event is unknown, it may be in tandem or it may be located elsewhere in the genome.

NC_000018.9:g.(?_47088679)_(47095938_?)dup

Gene: LIPG (lipase G, endothelial type; plus strand). Cytogenetic location: 18q21.1.
Variant type: Duplication.
Identifiers: ClinVar variation 2425471 (VCV002425471.4).